The following is an entry in ClinVar:

ClinVar aggregate classification (germline): Uncertain significance. Review status: criteria provided, multiple submitters, no conflicts (2 of 4 stars). 2 submissions from 2 submitters: Uncertain significance (2). Last evaluated 2024-07-27.

Allele frequency attached by ClinVar (database versions not stated): ExAC 0.00003.
gnomAD v4.1: 14 of 1,613,018 alleles (0.00087%); highest among the groups gnomAD compares: African/African-American, 0.0013%; no homozygotes.

Submissions (2):

Labcorp Genetics (formerly Invitae), Labcorp
Classification: Uncertain significance. Last evaluated: 2024-07-27. Review status: criteria provided, single submitter. Criteria: Invitae Variant Classification Sherloc (09022015). Collection method: clinical testing. Allele origin: germline.
Comment: This sequence change replaces aspartic acid, which is acidic and polar, with asparagine, which is neutral and polar, at codon 86 of the ZNF513 protein (p.Asp86Asn). This variant is present in population databases (rs764559317, gnomAD 0.02%). This variant has not been reported in the literature in individuals affected with ZNF513-related conditions. ClinVar contains an entry for this variant (Variation ID: 1912618). An algorithm developed to predict the effect of missense changes on protein structure and function (PolyPhen-2) suggests that this variant is likely to be disruptive. In summary, the available evidence is currently insufficient to determine the role of this variant in disease. Therefore, it has been classified as a Variant of Uncertain Significance.

Blueprint Genetics
Classification: Uncertain significance. Last evaluated: 2019-09-25. Review status: criteria provided, single submitter. Criteria: ACMG Guidelines, 2015. Collection method: clinical testing. Allele origin: germline.

NM_144631.6(ZNF513):c.256G>A (p.Asp86Asn)

Gene: ZNF513 (zinc finger protein 513; minus strand). Cytogenetic location: 2p23.3.
Variant type: single nucleotide variant.
Coding change: c.256G>A on transcript NM_144631.6 (MANE Select); coding-DNA position 256, G replaced by A.
Protein change: p.Asp86Asn; replaces aspartic acid 86 with asparagine.
Molecular consequence: missense variant.
Genome position (GRCh38, 1-based): chr2:27,379,010, C>T on the plus strand (G>A on the coding strand, the complement: ZNF513 is on the minus strand). VCF-style: chr2-27379010-C-T. GRCh37 (hg19) VCF-style: chr2-27601877-C-T.
Other names: c.70G>A, p.Asp24Asn (NM_001201459.2); short protein forms D86N, D24N.
Identifiers: ClinVar variation 1912618 (VCV001912618.6), dbSNP rs764559317, ClinGen allele CA1578093.